The following is an entry in ClinVar:

NM_033026.6(PCLO):c.8192G>C (p.Arg2731Pro)

Gene: PCLO (piccolo presynaptic cytomatrix protein; minus strand). Cytogenetic location: 7q21.11.
Variant type: single nucleotide variant.
Coding change: c.8192G>C on transcript NM_033026.6 (MANE Select); coding-DNA position 8192, G replaced by C.
Protein change: p.Arg2731Pro; replaces arginine 2731 with proline.
Molecular consequence: missense variant.
Genome position (GRCh38, 1-based): chr7:82,952,761, C>G on the plus strand (G>C on the coding strand, the complement: PCLO is on the minus strand). VCF-style: chr7-82952761-C-G. GRCh37 (hg19) VCF-style: chr7-82582077-C-G.
Other names: c.8192G>C, p.Arg2731Pro (NM_014510.3); c.8192G>C (NM_033026.5); short protein forms R2731P.
Identifiers: ClinVar variation 1426303 (VCV001426303.4), dbSNP rs200140697, ClinGen allele CA4320165.
Genomic context (GRCh38, chr7:82,952,761, plus strand): 5'-GTAGAAGCAGAAAGATCAATACATTTATCAGTTGTTTTAACTTCTACCTTTGGTACTGTA[C>G]GCAAATCAATTACATCACCAACAAGTTGCAATTTTCCATCTTCTTTATACTGAGGCTTCT-3'
Protein context (NP_149015.2, residues 2721-2741): LQLVGDVIDL[Arg2731Pro]TVPKVEVKTT

ClinVar aggregate classification (germline): Uncertain significance. Review status: criteria provided, multiple submitters, no conflicts (2 of 4 stars). 2 submissions from 2 submitters: Uncertain significance (2). Last evaluated 2025-05-25.

Conditions:
Inborn genetic diseases. Identifiers: MedGen C0950123, MeSH D030342.

gnomAD v4.1: 40 of 1,613,186 alleles (0.0025%); highest among the groups gnomAD compares: Non-Finnish European, 0.0031%; no homozygotes.

Submissions (2):

Ambry Genetics
Classification: Uncertain significance for Inborn genetic diseases. Last evaluated: 2025-05-25. Review status: criteria provided, single submitter. Criteria: Ambry Variant Classification Scheme 2023. Collection method: clinical testing. Allele origin: germline.

Labcorp Genetics (formerly Invitae), Labcorp
Classification: Uncertain significance. Last evaluated: 2022-08-23. Review status: criteria provided, single submitter. Criteria: Invitae Variant Classification Sherloc (09022015). Collection method: clinical testing. Allele origin: germline.
Comment: This sequence change replaces arginine, which is basic and polar, with proline, which is neutral and non-polar, at codon 2731 of the PCLO protein (p.Arg2731Pro). This variant is present in population databases (rs200140697, gnomAD 0.004%). This variant has not been reported in the literature in individuals affected with PCLO-related conditions. ClinVar contains an entry for this variant (Variation ID: 1426303). Algorithms developed to predict the effect of missense changes on protein structure and function are either unavailable or do not agree on the potential impact of this missense change (SIFT: "Deleterious"; PolyPhen-2: "Not Available"; Align-GVGD: "Class C0"). In summary, the available evidence is currently insufficient to determine the role of this variant in disease. Therefore, it has been classified as a Variant of Uncertain Significance.